The following is an entry in ClinVar:

ClinVar aggregate classification (germline): Uncertain significance (1 of 4 stars; one submission).

Submission:

Labcorp Genetics (formerly Invitae), Labcorp
Classification: Uncertain significance. Last evaluated: 2022-06-27. Review status: criteria provided, single submitter. Criteria: Invitae Variant Classification Sherloc (09022015). Collection method: clinical testing. Allele origin: germline.
Comment: This sequence change replaces glycine, which is neutral and non-polar, with aspartic acid, which is acidic and polar, at codon 246 of the PEPD protein (p.Gly246Asp). This variant is not present in population databases (gnomAD no frequency). This variant has not been reported in the literature in individuals affected with PEPD-related conditions. Algorithms developed to predict the effect of missense changes on protein structure and function are either unavailable or do not agree on the potential impact of this missense change (SIFT: "Tolerated"; PolyPhen-2: "Probably Damaging"; Align-GVGD: "Class C0"). In summary, the available evidence is currently insufficient to determine the role of this variant in disease. Therefore, it has been classified as a Variant of Uncertain Significance.

NM_000285.4(PEPD):c.737G>A (p.Gly246Asp)

Gene: PEPD (peptidase D; minus strand). Cytogenetic location: 19q13.11.
Variant type: single nucleotide variant.
Coding change: c.737G>A on transcript NM_000285.4 (MANE Select); coding-DNA position 737, G replaced by A.
Protein change: p.Gly246Asp; replaces glycine 246 with aspartic acid.
Molecular consequence: missense variant.
Genome position (GRCh38, 1-based): chr19:33,413,578, C>T on the plus strand (G>A on the coding strand, the complement: PEPD is on the minus strand). VCF-style: chr19-33413578-C-T. GRCh37 (hg19) VCF-style: chr19-33904484-C-T.
Other names: c.614G>A, p.Gly205Asp (NM_001166056.2); c.545G>A, p.Gly182Asp (NM_001166057.2); short protein forms G182D, G205D, G246D.
Identifiers: ClinVar variation 1484217 (VCV001484217.5), dbSNP rs1600096066, ClinGen allele CA405222132.